The following is an entry in ClinVar:

ClinVar aggregate classification (germline): Uncertain significance (1 of 4 stars; one submission).

Conditions:
Neurofibromatosis, type 1 (NF1). Also called: VON RECKLINGHAUSEN DISEASE; NEUROFIBROMATOSIS, TYPE I, SOMATIC; Neurofibromatosis, type I; Peripheral type neurofibromatosis. Identifiers: Orphanet 636, MedGen C0027831, MONDO:0018975, OMIM 162200. Disease mechanism: loss of function.

Submission:

Labcorp Genetics (formerly Invitae), Labcorp
Classification: Uncertain significance for Neurofibromatosis, type 1. Last evaluated: 2022-09-15. Review status: criteria provided, single submitter. Criteria: Invitae Variant Classification Sherloc (09022015). Collection method: clinical testing. Allele origin: germline.
Comment: Experimental studies and prediction algorithms are not available or were not evaluated, and the functional significance of this variant is currently unknown. In summary, the available evidence is currently insufficient to determine the role of this variant in disease. Therefore, it has been classified as a Variant of Uncertain Significance. This variant has not been reported in the literature in individuals affected with NF1-related conditions. This variant is not present in population databases (gnomAD no frequency). This variant, c.3081_3083dup, results in the insertion of 1 amino acid(s) of the NF1 protein (p.Asp1028dup), but otherwise preserves the integrity of the reading frame.

NM_001042492.3(NF1):c.3081_3083dup (p.Asp1028_Leu1029insAsp)

Gene: NF1 (neurofibromin 1; plus strand). Cytogenetic location: 17q11.2.
Variant type: Duplication.
Coding change: c.3081_3083dup on transcript NM_001042492.3 (MANE Select); coding-DNA positions 3081 to 3083, 3 bases duplicated (TGA; older notation c.3081_3083dupTGA).
Protein change: p.Asp1028_Leu1029insAsp.
Molecular consequence: inframe insertion. On other transcripts: inframe indel (1).
Genome position (GRCh38, 1-based): chr17:31,230,350-31,230,352, TGA duplicated; duplicating any 3 consecutive bases within chr17:31,230,348-31,230,352 gives the same sequence; the c. name uses the placement nearest the transcript's 3' end. VCF-style (leftmost placement, unchanged base first): chr17-31230347-A-AGAT. GRCh37 (hg19) VCF-style: chr17-29557365-A-AGAT.
Other names: c.3081_3083dup, p.Asp1028_Leu1029insAsp (NM_000267.4).
Identifiers: ClinVar variation 2030585 (VCV002030585.4), dbSNP rs2508206771, ClinGen allele CA2580092836.